The following is an entry in ClinVar:

ClinVar aggregate classification (germline): Likely benign. Review status: reviewed by expert panel (3 of 4 stars). 15 submissions from 14 submitters: Likely benign (1). 14 of the submissions do not count toward it. Last evaluated 2017-06-29.

Conditions:
BRCA2-related cancer predisposition. Identifiers: MedGen CN377758, MONDO:0700269.
BRCA2-related disorder. Also called: BRCA2-related condition; BRCA2-related disorders. Identifiers: MedGen CN239275.
Hereditary cancer-predisposing syndrome. Also called: Tumor predisposition; Hereditary neoplastic syndrome; Neoplastic Syndromes, Hereditary; Hereditary Cancer Syndrome. Identifiers: Orphanet 140162, MedGen C0027672, MeSH D009386, MONDO:0015356.
Hereditary breast ovarian cancer syndrome. Also called: Hereditary breast and ovarian cancer syndrome; Hereditary breast and ovarian cancer; Hereditary breast and ovarian cancer syndrome (HBOC); Breast and ovarian cancer; BRCA1- and BRCA2-Associated Hereditary Breast and Ovarian Cancer; Hereditary breast and/or ovarian cancer syndrome. Identifiers: Orphanet 145, MedGen C0677776, MeSH D061325, MONDO:0003582. Disease mechanism: loss of function.
Breast-ovarian cancer, familial, susceptibility to, 2 (BROVCA2). Also called: BRCA2 Hereditary Breast and Ovarian Cancer. Identifiers: Orphanet 145, MedGen C2675520, MONDO:0012933, OMIM 612555. Disease mechanism: loss of function.
Fanconi anemia complementation group D1. Also called: BRCA2-Related Fanconi Anemia. Identifiers: Orphanet 319462, MedGen C1838457, MONDO:0011584, OMIM 605724.

Allele frequency attached by ClinVar (database versions not stated): gnomAD exomes 0.00004 and 0.00012; TOPMed 0.00021; gnomAD 0.00023 and 0.00026.
gnomAD v4.1: 85 of 1,612,054 alleles (0.0053%); highest among the groups gnomAD compares: Admixed American, 0.11%; no homozygotes.

Submissions (15):

Evidence-based Network for the Interpretation of Germline Mutant Alleles (ENIGMA)
Classification: Likely benign for Breast-ovarian cancer, familial, susceptibility to, 2. Last evaluated: 2017-06-29. Review status: reviewed by expert panel. Criteria: ENIGMA BRCA1/2 Classification Criteria (2017-06-29). Collection method: curation. Allele origin: germline.
Comment: Synonymous substitution variant, with low bioinformatic likelihood to result in a splicing aberration (Splicing prior probability 0.02).

Labcorp Genetics (formerly Invitae), Labcorp
Classification: Benign for Hereditary breast ovarian cancer syndrome. Last evaluated: 2026-01-30. Review status: criteria provided, single submitter. Criteria: Invitae Variant Classification Sherloc (09022015). Collection method: clinical testing. Allele origin: germline. Not counted in ClinVar's aggregate classification.

All of Us Research Program, National Institutes of Health
Classification: Likely benign for BRCA2-related cancer predisposition. Last evaluated: 2024-07-10. Review status: criteria provided, single submitter. Criteria: ACMG Guidelines, 2015. Collection method: clinical testing. Allele origin: germline. Inheritance: Autosomal dominant inheritance. Observed: 8 variant alleles, 8 heterozygotes. Not counted in ClinVar's aggregate classification.
Comment: This study involves interpretation of variants in research participants for the purpose of population health screening. Participant phenotype was not available at the time of variant classification. Additional details can be found in publication PMID: 35346344, PMCID: PMC8962531

ARUP Laboratories, Molecular Genetics and Genomics, ARUP Laboratories
Classification: Likely benign. Last evaluated: 2023-09-08. Review status: criteria provided, single submitter. Criteria: ARUP Molecular Germline Variant Investigation Process 2024. Collection method: clinical testing. Allele origin: germline. Not counted in ClinVar's aggregate classification.

Quest Diagnostics Nichols Institute San Juan Capistrano
Classification: Benign. Last evaluated: 2022-12-12. Review status: criteria provided, single submitter. Criteria: Quest Diagnostics criteria. Collection method: clinical testing. Allele origin: unknown. Not counted in ClinVar's aggregate classification.

Sema4
Classification: Likely benign for Hereditary cancer-predisposing syndrome. Last evaluated: 2021-05-19. Review status: criteria provided, single submitter. Criteria: Sema4 Curation Guidelines. Collection method: curation. Allele origin: germline. Not counted in ClinVar's aggregate classification.

Women's Health and Genetics/Laboratory Corporation of America, LabCorp
Classification: Likely benign. Last evaluated: 2019-02-18. Review status: criteria provided, single submitter. Criteria: LabCorp Variant Classification Summary - May 2015. Collection method: clinical testing. Allele origin: germline. Not counted in ClinVar's aggregate classification.
Comment: Variant summary: BRCA2 c.2412A>G alters a non-conserved nucleotide resulting in a synonymous change. 4/5 computational tools predict no significant impact on normal splicing. However, these predictions have yet to be confirmed by functional studies. The variant allele was found at a frequency of 0.00011 in 275088 control chromosomes, predominantly at a frequency of 0.00082 within the Latino subpopulation in the gnomAD database. The observed variant frequency within Latino control individuals in the gnomAD database is approximately equal to the estimated maximal expected allele frequency for a pathogenic variant in BRCA2 causing Hereditary Breast and Ovarian Cancer phenotype (0.00075), strongly suggesting that the variant is a benign polymorphism found primarily in populations of Latino origin. c.2412A>G has been reported in the literature in an individual affected with contralateral breast cancer (Borg_2010). This report does not provide unequivocal conclusions about association of the variant with Hereditary Breast and Ovarian Cancer. A co-occurrence with a pathogenic variant has been reported in our internal database (BRCA1 whole gene deletion), providing supporting evidence for a benign role. To our knowledge, no experimental evidence demonstrating an impact on protein function has been reported. Five ClinVar submissions from clinical diagnostic laboratories and reputable databases (evaluation after 2014) cite the variant as likely benign. Based on the evidence outlined above, the variant was classified as likely benign.

Illumina Laboratory Services, Illumina
Classification: Uncertain significance for Breast-ovarian cancer, familial, susceptibility to, 2. Last evaluated: 2018-01-12. Review status: criteria provided, single submitter. Criteria: ICSL Variant Classification Criteria 13 December 2019. Collection method: clinical testing. Allele origin: germline. Not counted in ClinVar's aggregate classification.

Illumina Laboratory Services, Illumina
Classification: Uncertain significance for Fanconi anemia complementation group D1. Last evaluated: 2018-01-12. Review status: criteria provided, single submitter. Criteria: ICSL Variant Classification Criteria 13 December 2019. Collection method: clinical testing. Allele origin: germline. Not counted in ClinVar's aggregate classification.

Color Diagnostics, LLC DBA Color Health
Classification: Likely benign for Hereditary cancer-predisposing syndrome. Last evaluated: 2017-09-13. Review status: criteria provided, single submitter. Criteria: ACMG Guidelines, 2015. Collection method: clinical testing. Allele origin: germline. Not counted in ClinVar's aggregate classification.

Ambry Genetics
Classification: Likely benign for Hereditary cancer-predisposing syndrome. Last evaluated: 2014-07-31. Review status: criteria provided, single submitter. Criteria: Ambry Variant Classification Scheme 2023. Collection method: clinical testing. Allele origin: germline. Not counted in ClinVar's aggregate classification.

GeneDx
Classification: Benign. Last evaluated: 2014-02-20. Review status: criteria provided, single submitter. Criteria: GeneDx Variant Classification (06012015). Collection method: clinical testing. Allele origin: germline. Affected: yes. Not counted in ClinVar's aggregate classification.
Comment: This variant is considered likely benign or benign based on one or more of the following criteria: it is a conservative change, it occurs at a poorly conserved position in the protein, it is predicted to be benign by multiple in silico algorithms, and/or has population frequency not consistent with disease.

PreventionGenetics, part of Exact Sciences
Classification: Likely benign for BRCA2-related condition. Last evaluated: 2024-07-18. Review status: no assertion criteria provided. Collection method: clinical testing. Allele origin: germline. Not counted in ClinVar's aggregate classification.
Comment: This variant is classified as likely benign based on ACMG/AMP sequence variant interpretation guidelines (Richards et al. 2015 PMID: 25741868, with internal and published modifications).

Counsyl
Classification: Likely benign for Breast-ovarian cancer, familial, susceptibility to, 2. Last evaluated: 2017-06-30. Review status: no assertion criteria provided. Collection method: clinical testing. Allele origin: unknown. Not counted in ClinVar's aggregate classification.

Department of Pathology and Laboratory Medicine, Sinai Health System
Classification: Likely benign. Review status: no assertion criteria provided. Collection method: clinical testing. Allele origin: unknown. Affected: yes. Observed: 1 variant allele. Study: The Canadian Open Genetics Repository (COGR). Not counted in ClinVar's aggregate classification.
Comment: The BRCA2 p.Glu804= variant was identified in 1 of 4206 proband chromosomes (frequency: 0.0002) from individuals or families with breast cancer (Borg_2010_20104584). The variant was also identified in the following databases: dbSNP (ID: rs587780866) as â€šÃ„ÃºWith other alleleâ€šÃ„Ã¹, ClinVar (as likely benign, reviewed by an expert panel), Clinvitae (4x), COGR (as likely benign by a consensus of 3 clinical labs), AND UMD-LSDB (2x as uncertain significance). The variant was not identified in Cosmic, MutDB, LOVD 3.0, BIC Database, ARUP Laboratories, or Zhejiang Colon Cancer Database. The variant was identified in control databases in 30 of 275088 chromosomes at a frequency of 0.000109 increasing the likelihood this could be a low frequency variant (Genome Aggregation Database Feb 27, 2017). It was observed in the following populations including â€šÃ„ÃºOtherâ€šÃ„Ã¹ in 2 of 6412 chromosomes (freq: 0.000312), and Latino in 28 of 34052 chromosomes (freq: 0.000822); it was not observed in the African, European (Non-Finnish), Ashkenazi Jewish, East Asian, European (Finnish), and South Asian populations. The p.Glu804= variant is not expected to have clinical significance because it does not result in a change of amino acid and is not located in a known consensus splice site. 1 of 5 in silico or computational prediction software programs (SpliceSiteFinder, MaxEntScan, NNSPLICE, GeneSplicer, HumanSpliceFinder) predicted a greater than 10% difference in splicing; one altered 5' and one 3â€šÃ„Ã´ splice site. In summary, based on the above information the clinical significance of this variant cannot be determined with certainty at this time although we would lean towards a more benign role for this variant. This variant is classified as likely benign.

Literature cited by the submitters: PubMed 20104584 (cited by Quest Diagnostics Nichols Institute San Juan Capistrano and Counsyl).

NM_000059.4(BRCA2):c.2412A>G (p.Glu804=)

Gene: BRCA2 (BRCA2 DNA repair associated; plus strand). Cytogenetic location: 13q13.1.
Variant type: single nucleotide variant.
Coding change: c.2412A>G on transcript NM_000059.4 (MANE Select); coding-DNA position 2412, A replaced by G.
Protein change: p.Glu804=; no amino-acid change (glutamic acid 804 retained).
Molecular consequence: synonymous variant.
Genome position (GRCh38, 1-based): chr13:32,336,767, A>G. VCF-style: chr13-32336767-A-G. GRCh37 (hg19) VCF-style: chr13-32910904-A-G.
Other names: p.E804E:GAA>GAG.
Identifiers: ClinVar variation 136556 (VCV000136556.35), dbSNP rs587780866, ClinGen allele CA015170.